The following is an entry in ClinVar:

NM_025257.3(SLC44A4):c.117_125del (p.Leu42_Phe44del)

Gene: SLC44A4 (solute carrier family 44 member 4; minus strand). Cytogenetic location: 6p21.33.
Variant type: Deletion.
Coding change: c.117_125del on transcript NM_025257.3 (MANE Select); coding-DNA positions 117 to 125, 9 bases deleted (CCTCTTCCT; older notation c.117_125delCCTCTTCCT).
Protein change: p.Leu42_Phe44del.
Molecular consequence: 5 prime UTR variant (on NM_001178045.2). On other transcripts: inframe indel (1).
Genome position (GRCh38, 1-based): chr6:31,876,094-31,876,102, AGGAAGAGG deleted on the plus strand (CCTCTTCCT on the coding strand, the reverse complement: SLC44A4 is on the minus strand); deleting any 9 consecutive bases within chr6:31,876,094-31,876,103 gives the same sequence; the c. name uses the placement nearest the transcript's 3' end. VCF-style (leftmost placement, unchanged base first): chr6-31876093-CAGGAAGAGG-C. GRCh37 (hg19) VCF-style: chr6-31843870-CAGGAAGAGG-C.
Other names: c.117_125del, p.Leu42_Phe44del (NM_001178044.2); c.-112_-104del (NM_001178045.2); c.116_124delTCCTCTTCC, p.Leu42_Phe44del (NM_032794.1).
Identifiers: ClinVar variation 3030393 (VCV003030393.2), dbSNP rs758136134, ClinGen allele CA3725815.

ClinVar aggregate classification (germline): Likely benign (0 of 4 stars; one submission).

Conditions:
SLC44A4-related disorder. Also called: SLC44A4-related condition.

Submission:

PreventionGenetics, part of Exact Sciences
Classification: Likely benign for SLC44A4-related condition. Last evaluated: 2023-05-31. Review status: no assertion criteria provided. Collection method: clinical testing. Allele origin: germline.
Comment: This variant is classified as likely benign based on ACMG/AMP sequence variant interpretation guidelines (Richards et al. 2015 PMID: 25741868, with internal and published modifications).